The following is an entry in ClinVar:

ClinVar aggregate classification (germline): Uncertain significance (1 of 4 stars; one submission).

Conditions:
Glycogen storage disease IXa1. Also called: LIVER GLYCOGENOSIS, X-LINKED, TYPE I; GLYCOGEN STORAGE DISEASE VIII; GSD VIII; Glycogen storage disease 8. Identifiers: Orphanet 264580, MedGen C3694531, MONDO:0010598, OMIM 306000.

Submission:

Juno Genomics, Hangzhou Juno Genomics, Inc
Classification: Uncertain significance for Glycogen storage disease IXa1. Review status: criteria provided, single submitter. Criteria: ACMG Guidelines, 2015. Collection method: clinical testing. Allele origin: germline.
Comment: Absent from controls (or at extremely low frequency if recessive) in Genome Aggregation Database.;Multiple lines of computational evidence support a deleterious effect on the gene or gene product.

NM_000292.3(PHKA2):c.194C>G (p.Ala65Gly)

Gene: PHKA2 (phosphorylase kinase regulatory subunit alpha 2; minus strand). Cytogenetic location: Xp22.13.
Variant type: single nucleotide variant.
Coding change: c.194C>G on transcript NM_000292.3 (MANE Select); coding-DNA position 194, C replaced by G.
Protein change: p.Ala65Gly; replaces alanine 65 with glycine.
Molecular consequence: missense variant.
Genome position (GRCh38, 1-based): chrX:18,954,297, G>C on the plus strand (C>G on the coding strand, the complement: PHKA2 is on the minus strand). VCF-style: chrX-18954297-G-C. GRCh37 (hg19) VCF-style: chrX-18972415-G-C.
Other names: c.194C>G, p.Ala65Gly (NM_001440800.1, NM_001440801.1, NM_001440802.1 and 3 more transcripts); short protein forms A65G.
Identifiers: ClinVar variation 5007543 (VCV005007543.2).
Genomic context (GRCh38, chrX:18,954,297, plus strand): 5'-CTGTCAGTCACTATTACCTGCTCCAGCTCGTAGGCCTTGGCCTTGTCCTCATCGCGGTCT[G>C]CATTCTTACGGTAGGCCATGCCCAGGCCCCACACGGCCAGGATACTGTAGATGTTATCCC-3'
Protein context (NP_000283.1, residues 55-75): WGLGMAYRKN[Ala65Gly]DRDEDKAKAY